The following is an entry in ClinVar:

ClinVar aggregate classification (germline): Uncertain significance (1 of 4 stars; one submission).

Conditions:
Familial cold autoinflammatory syndrome 3 (FCAS3). Also called: FAMILIAL ATYPICAL COLD URTICARIA; ANTIBODY DEFICIENCY AND IMMUNE DYSREGULATION, PLCG2-ASSOCIATED. Identifiers: Orphanet 300359, MedGen C3280914, MONDO:0013766, OMIM 614468.

Allele frequency attached by ClinVar (database versions not stated): gnomAD 0.00001; gnomAD exomes 0.00001.
gnomAD v4.1: 9 of 1,613,598 alleles (0.00056%); highest among the groups gnomAD compares: African/African-American, 0.0013%; no homozygotes.

Submission:

Labcorp Genetics (formerly Invitae), Labcorp
Classification: Uncertain significance for Familial cold autoinflammatory syndrome 3. Last evaluated: 2023-12-19. Review status: criteria provided, single submitter. Criteria: Invitae Variant Classification Sherloc (09022015). Collection method: clinical testing. Allele origin: germline.
Comment: This sequence change replaces glutamic acid, which is acidic and polar, with lysine, which is basic and polar, at codon 1185 of the PLCG2 protein (p.Glu1185Lys). This variant is present in population databases (no rsID available, gnomAD 0.004%). This variant has not been reported in the literature in individuals affected with PLCG2-related conditions. An algorithm developed to predict the effect of missense changes on protein structure and function (PolyPhen-2) suggests that this variant is likely to be tolerated. In summary, the available evidence is currently insufficient to determine the role of this variant in disease. Therefore, it has been classified as a Variant of Uncertain Significance.

NM_002661.5(PLCG2):c.3553G>A (p.Glu1185Lys)

Gene: PLCG2 (phospholipase C gamma 2; plus strand). Cytogenetic location: 16q23.3.
Variant type: single nucleotide variant.
Coding change: c.3553G>A on transcript NM_002661.5 (MANE Select); coding-DNA position 3553, G replaced by A.
Protein change: p.Glu1185Lys; replaces glutamic acid 1185 with lysine.
Molecular consequence: missense variant.
Genome position (GRCh38, 1-based): chr16:81,946,246, G>A. VCF-style: chr16-81946246-G-A. GRCh37 (hg19) VCF-style: chr16-81979851-G-A.
Other names: c.3553G>A, p.Glu1185Lys (NM_001425749.1, NM_001425750.1, NM_001425751.1); short protein forms E1185K.
Identifiers: ClinVar variation 2966687 (VCV002966687.3), dbSNP rs1177878316, ClinGen allele CA396909905.